The following is an entry in ClinVar:

NM_203447.4(DOCK8):c.1090C>T (p.Pro364Ser)

Gene: DOCK8 (dedicator of cytokinesis 8; plus strand). Cytogenetic location: 9p24.3.
Variant type: single nucleotide variant.
Coding change: c.1090C>T on transcript NM_203447.4 (MANE Select); coding-DNA position 1090, C replaced by T.
Protein change: p.Pro364Ser; replaces proline 364 with serine.
Molecular consequence: missense variant.
Genome position (GRCh38, 1-based): chr9:332,443, C>T. VCF-style: chr9-332443-C-T. GRCh37 (hg19) VCF-style: chr9-332443-C-T.
Other names: p.Pro364Ser; c.886C>T, p.Pro296Ser (NM_001190458.2, NM_001193536.2); short protein forms P364S, P296S.
Identifiers: ClinVar variation 452103 (VCV000452103.54), dbSNP rs146777948, ClinGen allele CA4957596.

ClinVar aggregate classification (germline): Uncertain significance. Review status: criteria provided, multiple submitters, no conflicts (2 of 4 stars). 5 submissions from 5 submitters: Uncertain significance (5). Last evaluated 2025-02-05.

Allele frequency attached by ClinVar (database versions not stated): TOPMed 0.00025; ESP Exome Variant Server 0.00054.
gnomAD v4.1: 758 of 1,612,820 alleles (0.047%); highest among the groups gnomAD compares: Non-Finnish European, 0.061%; no homozygotes.

Submissions (5):

Mayo Clinic Laboratories, Mayo Clinic
Classification: Uncertain significance. Last evaluated: 2025-02-05. Review status: criteria provided, single submitter. Criteria: ACMG Guidelines, 2015. Collection method: clinical testing. Allele origin: germline. Observed: 2 variant alleles.

Labcorp Genetics (formerly Invitae), Labcorp
Classification: Uncertain significance for Combined immunodeficiency due to DOCK8 deficiency. Last evaluated: 2025-02-02. Review status: criteria provided, single submitter. Criteria: Invitae Variant Classification Sherloc (09022015). Collection method: clinical testing. Allele origin: germline.
Comment: This sequence change replaces proline, which is neutral and non-polar, with serine, which is neutral and polar, at codon 364 of the DOCK8 protein (p.Pro364Ser). This variant is present in population databases (rs146777948, gnomAD 0.07%). This missense change has been observed in individual(s) with autosomal recessive DOCK8 deficiency (internal data). ClinVar contains an entry for this variant (Variation ID: 452103). Invitae Evidence Modeling of protein sequence and biophysical properties (such as structural, functional, and spatial information, amino acid conservation, physicochemical variation, residue mobility, and thermodynamic stability) has been performed for this missense variant. However, the output from this modeling did not meet the statistical confidence thresholds required to predict the impact of this variant on DOCK8 protein function. In summary, the available evidence is currently insufficient to determine the role of this variant in disease. Therefore, it has been classified as a Variant of Uncertain Significance.

Blueprint Genetics
Classification: Uncertain significance. Last evaluated: 2024-08-27. Review status: criteria provided, single submitter. Criteria: ACMG Guidelines, 2015. Collection method: clinical testing. Allele origin: germline.

CeGaT Center for Human Genetics Tuebingen
Classification: Uncertain significance. Last evaluated: 2019-05-01. Review status: criteria provided, single submitter. Criteria: CeGaT Center For Human Genetics Tuebingen Variant Classification Criteria Version 2. Collection method: clinical testing. Allele origin: germline. Affected: yes. Observed: 3 variant alleles.

GeneDx
Classification: Uncertain significance. Last evaluated: 2017-09-25. Review status: criteria provided, single submitter. Criteria: GeneDx Variant Classification (06012015). Collection method: clinical testing. Allele origin: germline. Affected: yes.
Comment: The P364S variant in the DOCK8 gene has not been reported previously as a pathogenic variant, nor as a benign variant, to our knowledge. The P364S variant is observed in 53/66526 (0.08%) alleles from individuals of non-Finnish European background, in the ExAC dataset (Lek et al., 2016). The P364S variant is a non-conservative amino acid substitution, which is likely to impact secondary protein structure as these residues differ in polarity, charge, size and/or other properties. This substitution occurs at a position that is conserved across species. In silico analysis predicts this variant is probably damaging to the protein structure/function. We interpret P364S as a variant of uncertain significance.